The following is an entry in ClinVar:

NM_002709.3(PPP1CB):c.415+5G>A

Gene: PPP1CB (protein phosphatase 1 catalytic subunit beta; plus strand). Cytogenetic location: 2p23.2.
Variant type: single nucleotide variant.
Coding change: c.415+5G>A on transcript NM_002709.3 (MANE Select); 5 bases into the intron after coding-DNA position 415, G replaced by A.
Molecular consequence: intron variant.
Genome position (GRCh38, 1-based): chr2:28,779,044, G>A. VCF-style: chr2-28779044-G-A. GRCh37 (hg19) VCF-style: chr2-29001910-G-A.
Other names: c.415+5G>A (NM_206876.2).
Identifiers: ClinVar variation 2123024 (VCV002123024.4), dbSNP rs2465728211, ClinGen allele CA2580066273.

ClinVar aggregate classification (germline): Uncertain significance (1 of 4 stars; one submission).

Submission:

Labcorp Genetics (formerly Invitae), Labcorp
Classification: Uncertain significance. Last evaluated: 2022-08-22. Review status: criteria provided, single submitter. Criteria: Invitae Variant Classification Sherloc (09022015). Collection method: clinical testing. Allele origin: germline.
Comment: This variant has not been reported in the literature in individuals affected with PPP1CB-related conditions. This variant is not present in population databases (gnomAD no frequency). This sequence change falls in intron 4 of the PPP1CB gene. It does not directly change the encoded amino acid sequence of the PPP1CB protein. It affects a nucleotide within the consensus splice site. Variants that disrupt the consensus splice site are a relatively common cause of aberrant splicing (PMID: 17576681, 9536098). Algorithms developed to predict the effect of sequence changes on RNA splicing suggest that this variant may disrupt the consensus splice site. In summary, the available evidence is currently insufficient to determine the role of this variant in disease. Therefore, it has been classified as a Variant of Uncertain Significance.

Literature cited by the submitters: PubMed 17576681; PubMed 9536098.